The following is an entry in ClinVar:

NM_198129.4(LAMA3):c.8295+1_8295+11del

Gene: LAMA3 (laminin subunit alpha 3; plus strand). Cytogenetic location: 18q11.2.
Variant type: Deletion.
Coding change: c.8295+1_8295+11del on transcript NM_198129.4 (MANE Select); the canonical splice donor site of the intron after coding-DNA position 8295 through 11 bases into the intron after coding-DNA position 8295, 11 bases deleted (GTAAGTGAAAG).
Molecular consequence: splice donor variant.
Genome position (GRCh38, 1-based): chr18:23,928,241-23,928,251, GTAAGTGAAAG deleted; deleting any 11 consecutive bases within chr18:23,928,238-23,928,251 gives the same sequence; the c. name uses the placement nearest the transcript's 3' end. VCF-style (leftmost placement, unchanged base first): chr18-23928237-GAAGGTAAGTGA-G. GRCh37 (hg19) VCF-style: chr18-21508201-GAAGGTAAGTGA-G.
Other names: c.8127+1_8127+11del (NM_001127717.4); c.3468+1_3468+11del (NM_000227.6); c.3300+1_3300+11del (NM_001127718.4); c.3468+1_3468+11del11 (NM_000227.6).
Identifiers: ClinVar variation 3063872 (VCV003063872.1), dbSNP rs2511543235, ClinGen allele CA2740093989.

ClinVar aggregate classification (germline): Likely pathogenic (1 of 4 stars; one submission).

Conditions:
Junctional epidermolysis bullosa. Identifiers: Orphanet 305, MedGen C0079301, MONDO:0017612.

Submission:

Women's Health and Genetics/Laboratory Corporation of America, LabCorp
Classification: Likely pathogenic for Junctional epidermolysis bullosa. Last evaluated: 2024-01-12. Review status: criteria provided, single submitter. Criteria: LabCorp Variant Classification Summary - May 2015. Collection method: clinical testing. Allele origin: germline.
Comment: Variant summary: LAMA3 c.3468+1_3468+11del11 results in a deletion spanning a canonical splice-site and is predicted to affect mRNA splicing resulting in a significantly altered protein due to either exon skipping, shortening, or inclusion of intronic material. Several computational tools predict a significant impact on normal splicing: Four predict the variant abolishes a 5' splicing donor site. However, these predictions have yet to be confirmed by functional studies. The variant was absent in 250938 control chromosomes (gnomAD). To our knowledge, no occurrence of c.3468+1_3468+11del11 in individuals affected with Junctional Epidermolysis Bullosa and no experimental evidence demonstrating its impact on protein function have been reported. No submitters have cited clinical-significance assessments for this variant to ClinVar. Based on the evidence outlined above, the variant was classified as likely pathogenic.